The following is an entry in ClinVar:

ClinVar aggregate classification (germline): Uncertain significance. Review status: criteria provided, multiple submitters, no conflicts (2 of 4 stars). 2 submissions from 2 submitters: Uncertain significance (2). Last evaluated 2025-10-27.

Conditions:
Noonan syndrome 9 (NS9). Identifiers: Orphanet 648, MedGen C4225282, MONDO:0014691, OMIM 616559.
Cardiovascular phenotype. Identifiers: MedGen CN230736.

Allele frequency attached by ClinVar (database versions not stated): gnomAD exomes 0.00001.
gnomAD v4.1: 8 of 1,613,850 alleles (0.0005%); highest among the groups gnomAD compares: Non-Finnish European, 0.00068%; no homozygotes.

Submissions (2):

Labcorp Genetics (formerly Invitae), Labcorp
Classification: Uncertain significance for Noonan syndrome 9. Last evaluated: 2025-10-27. Review status: criteria provided, single submitter. Criteria: Invitae Variant Classification Sherloc (09022015). Collection method: clinical testing. Allele origin: germline.
Comment: This sequence change replaces proline, which is neutral and non-polar, with alanine, which is neutral and non-polar, at codon 1211 of the SOS2 protein (p.Pro1211Ala). This variant is present in population databases (no rsID available, gnomAD 0.0009%). This variant has not been reported in the literature in individuals affected with SOS2-related conditions. ClinVar contains an entry for this variant (Variation ID: 2762486). Invitae Evidence Modeling of protein sequence and biophysical properties (such as structural, functional, and spatial information, amino acid conservation, physicochemical variation, residue mobility, and thermodynamic stability) indicates that this missense variant is not expected to disrupt SOS2 protein function with a negative predictive value of 95%. In summary, the available evidence is currently insufficient to determine the role of this variant in disease. Therefore, it has been classified as a Variant of Uncertain Significance.

Ambry Genetics
Classification: Uncertain significance for Cardiovascular phenotype. Last evaluated: 2024-04-12. Review status: criteria provided, single submitter. Criteria: Ambry Variant Classification Scheme 2023. Collection method: clinical testing. Allele origin: germline.
Comment: The p.P1211A variant (also known as c.3631C>G), located in coding exon 23 of the SOS2 gene, results from a C to G substitution at nucleotide position 3631. The proline at codon 1211 is replaced by alanine, an amino acid with highly similar properties. This amino acid position is conserved. In addition, the in silico prediction for this alteration is inconclusive. Based on the available evidence, the clinical significance of this variant remains unclear.

NM_006939.4(SOS2):c.3631C>G (p.Pro1211Ala)

Gene: SOS2 (SOS Ras/Rho guanine nucleotide exchange factor 2; minus strand). Cytogenetic location: 14q21.3.
Variant type: single nucleotide variant.
Coding change: c.3631C>G on transcript NM_006939.4 (MANE Select); coding-DNA position 3631, C replaced by G.
Protein change: p.Pro1211Ala; replaces proline 1211 with alanine.
Molecular consequence: missense variant.
Genome position (GRCh38, 1-based): chr14:50,118,712, G>C on the plus strand (C>G on the coding strand, the complement: SOS2 is on the minus strand). VCF-style: chr14-50118712-G-C. GRCh37 (hg19) VCF-style: chr14-50585430-G-C.
Other names: c.3532C>G, p.Pro1178Ala (NM_001411020.1); short protein forms P1178A, P1211A.
Identifiers: ClinVar variation 2762486 (VCV002762486.5), dbSNP rs1327675347, ClinGen allele CA389638480.